The following is an entry in ClinVar:

ClinVar aggregate classification (germline): Uncertain significance (1 of 4 stars; one submission).

Conditions:
Familial thoracic aortic aneurysm and aortic dissection (TAAD). Also called: Thoracic aortic aneurysms and dissections. Identifiers: Orphanet 91387, MedGen C4707243, MONDO:0019625.

Submission:

Ambry Genetics
Classification: Uncertain significance for Familial thoracic aortic aneurysm and aortic dissection. Last evaluated: 2025-04-02. Review status: criteria provided, single submitter. Criteria: Ambry Variant Classification Scheme 2023. Collection method: clinical testing. Allele origin: germline.
Comment: The p.L1193V variant (also known as c.3577C>G), located in coding exon 28 of the FBN1 gene, results from a C to G substitution at nucleotide position 3577. The leucine at codon 1193 is replaced by valine, an amino acid with highly similar properties. This amino acid position is well conserved in available vertebrate species. In addition, the in silico prediction for this alteration is inconclusive. Based on the available evidence, the clinical significance of this variant remains unclear.

NM_000138.5(FBN1):c.3577C>G (p.Leu1193Val)

Gene: FBN1 (fibrillin 1; minus strand). Cytogenetic location: 15q21.1.
Variant type: single nucleotide variant.
Coding change: c.3577C>G on transcript NM_000138.5 (MANE Select); coding-DNA position 3577, C replaced by G.
Protein change: p.Leu1193Val; replaces leucine 1193 with valine.
Molecular consequence: missense variant.
Genome position (GRCh38, 1-based): chr15:48,487,087, G>C on the plus strand (C>G on the coding strand, the complement: FBN1 is on the minus strand). VCF-style: chr15-48487087-G-C. GRCh37 (hg19) VCF-style: chr15-48779284-G-C.
Other names: c.3577C>G, p.Leu1193Val (NM_001406716.1); short protein forms L1193V.
Identifiers: ClinVar variation 4023422 (VCV004023422.1).